The following is an entry in ClinVar:

NM_003002.4(SDHD):c.204C>T (p.Ser68=)

Gene: SDHD (succinate dehydrogenase complex subunit D; plus strand). Cytogenetic location: 11q23.1.
Variant type: single nucleotide variant.
Coding change: c.204C>T on transcript NM_003002.4 (MANE Select); coding-DNA position 204, C replaced by T.
Protein change: p.Ser68=; no amino-acid change (serine 68 retained).
Molecular consequence: synonymous variant. On other transcripts: non-coding transcript variant (1), intron variant (1).
Genome position (GRCh38, 1-based): chr11:112,088,901, C>T. VCF-style: chr11-112088901-C-T. GRCh37 (hg19) VCF-style: chr11-111959625-C-T.
Other names: p.Ser68Ser; p.Ser68=; c.87C>T, p.Ser29= (NM_001276504.2); c.204C>T, p.Ser68= (NM_001276506.2); c.169+928C>T (NM_001276503.2).
Identifiers: ClinVar variation 44650 (VCV000044650.62), dbSNP rs9919552, ClinGen allele CA016677.

ClinVar aggregate classification (germline): Benign/Likely benign. Review status: criteria provided, multiple submitters, no conflicts (2 of 4 stars). 25 submissions from 22 submitters: Benign (18); Likely benign (2). 5 of the submissions do not count toward it. Last evaluated 2026-02-04.

Conditions:
Mitochondrial complex 2 deficiency, nuclear type 3. Also called: MITOCHONDRIAL COMPLEX II DEFICIENCY, NUCLEAR TYPE 3. Identifiers: MedGen C5436934, MONDO:0030937, OMIM 619167.
Carney-Stratakis syndrome. Also called: PARAGANGLIOMA AND GASTROINTESTINAL STROMAL TUMOR. Identifiers: Orphanet 97286, MedGen C1847319, MONDO:0011740, OMIM 606864.
Pheochromocytoma/paraganglioma syndrome 1. Also called: Paraganglioma - glomus jugulare; Paragangliomas 1; Glomus tumors familial 1; SDHD-Related Hereditary Paraganglioma-Pheochromocytoma Syndrome; PARAGANGLIOMATA; PARAGANGLIOMAS, FAMILIAL NONCHROMAFFIN, 1. Identifiers: Orphanet 29072, MedGen C3494181, MONDO:0008192, OMIM 168000.
Pheochromocytoma. Also called: MAX-Related Hereditary Paraganglioma-Pheochromocytoma Syndrome. Identifiers: Orphanet 29072, MedGen C0031511, MONDO:0008233, OMIM 171300, HP:0002666.
Paragangliomas with sensorineural hearing loss. Identifiers: MedGen C1868633.
Cowden syndrome 3 (CWS3). Identifiers: Orphanet 201, MedGen CN166604, MONDO:0014045.
Hereditary cancer-predisposing syndrome. Also called: Hereditary Cancer Syndrome; Neoplastic Syndromes, Hereditary; Tumor predisposition; Hereditary neoplastic syndrome. Identifiers: Orphanet 140162, MedGen C0027672, MeSH D009386, MONDO:0015356.
Hereditary pheochromocytoma and paraganglioma. Also called: Hereditary pheochromocytoma-paraganglioma; Hereditary Paraganglioma-Pheochromocytoma Syndromes; Hereditary paragangliomas and pheochromocytomas. Identifiers: Orphanet 29072, MedGen C4274332, MONDO:0017366.
Pheochromocytoma/paraganglioma syndrome 3. Also called: SDHC-Related Hereditary Paraganglioma-Pheochromocytoma Syndrome (Paragangliomas 3); SDHC-Related Hereditary Paraganglioma-Pheochromocytoma Syndrome; GLOMUS TUMORS, FAMILIAL, 3; Paragangliomas 3. Identifiers: Orphanet 29072, MedGen C1854336, MONDO:0011544, OMIM 605373.

Allele frequency attached by ClinVar (database versions not stated): gnomAD 0.11428 and 0.10721; gnomAD exomes 0.03411; 1000 Genomes Project 0.11342; TOPMed 0.12129; ESP Exome Variant Server 0.12011; 1000 Genomes Project 30x 0.12117; ExAC 0.03976.

Submissions 1 to 25 of 36:

Labcorp Genetics (formerly Invitae), Labcorp
Classification: Benign for Carney-Stratakis syndrome; Paragangliomas with sensorineural hearing loss; Pheochromocytoma; Cowden syndrome 3. Last evaluated: 2026-02-04. Review status: criteria provided, single submitter. Criteria: Invitae Variant Classification Sherloc (09022015). Collection method: clinical testing. Allele origin: germline.

ARUP Laboratories, Molecular Genetics and Genomics, ARUP Laboratories
Classification: Benign. Last evaluated: 2025-07-22. Review status: criteria provided, single submitter. Criteria: ARUP Molecular Germline Variant Investigation Process 2024. Collection method: clinical testing. Allele origin: germline.

Myriad Genetics, Inc.
Classification: Benign for Pheochromocytoma/paraganglioma syndrome 1. Last evaluated: 2025-03-17. Review status: criteria provided, single submitter. Criteria: Myriad Autosomal Dominant, Autosomal Recessive and X-Linked Classification Criteria (2023). Collection method: clinical testing. Allele origin: unknown.
Comment: This variant is considered benign. This variant is a silent/synonymous amino acid change and it is not expected to impact splicing.

Center for Genomic Medicine, Rigshospitalet, Copenhagen University Hospital
Classification: Likely benign. Last evaluated: 2025-03-04. Review status: criteria provided, single submitter. Criteria: ACMG Guidelines, 2015. Collection method: clinical testing. Allele origin: germline.

KCCC/NGS Laboratory, Kuwait Cancer Control Center
Classification: Benign for Pheochromocytoma/paraganglioma syndrome 1. Last evaluated: 2025-02-01. Review status: criteria provided, single submitter. Criteria: ACMG Guidelines, 2015. Collection method: clinical testing. Allele origin: germline. Affected: no.

Blueprint Genetics
Classification: Likely benign. Last evaluated: 2024-11-27. Review status: criteria provided, single submitter. Criteria: ACMG Guidelines, 2015. Collection method: clinical testing. Allele origin: germline.

KCCC/NGS Laboratory, Kuwait Cancer Control Center
Classification: Benign for Pheochromocytoma/paraganglioma syndrome 3. Last evaluated: 2023-07-07. Review status: criteria provided, single submitter. Criteria: ACMG Guidelines, 2015. Collection method: clinical testing. Allele origin: germline. Affected: yes.

Mayo Clinic Laboratories, Mayo Clinic
Classification: Benign. Last evaluated: 2022-10-13. Review status: criteria provided, single submitter. Criteria: ACMG Guidelines, 2015. Collection method: clinical testing. Allele origin: germline. Observed: 55 variant alleles.
Comment: BA1, BP4, BP7

Genome-Nilou Lab
Classification: Benign for Mitochondrial complex 2 deficiency, nuclear type 3. Last evaluated: 2021-07-15. Review status: criteria provided, single submitter. Criteria: ACMG Guidelines, 2015. Collection method: clinical testing. Allele origin: germline. Affected: no.

Genome-Nilou Lab
Classification: Benign for Pheochromocytoma/paraganglioma syndrome 1. Last evaluated: 2021-07-15. Review status: criteria provided, single submitter. Criteria: ACMG Guidelines, 2015. Collection method: clinical testing. Allele origin: germline. Affected: no.

Genome-Nilou Lab
Classification: Benign for Pheochromocytoma. Last evaluated: 2021-07-15. Review status: criteria provided, single submitter. Criteria: ACMG Guidelines, 2015. Collection method: clinical testing. Allele origin: germline. Affected: no.

Department of Pathology and Laboratory Medicine, Sinai Health System
Classification: Benign for Pheochromocytoma/paraganglioma syndrome 1; Carney-Stratakis syndrome; Mitochondrial complex 2 deficiency, nuclear type 3. Last evaluated: 2021-05-21. Review status: criteria provided, single submitter. Criteria: ACMG Guidelines, 2015. Collection method: clinical testing. Allele origin: germline. Affected: yes.

Sema4
Classification: Benign for Hereditary cancer-predisposing syndrome. Last evaluated: 2019-12-09. Review status: criteria provided, single submitter. Criteria: Sema4 Curation Guidelines. Collection method: curation. Allele origin: germline.

Color Diagnostics, LLC DBA Color Health
Classification: Benign for Hereditary pheochromocytoma and paraganglioma. Last evaluated: 2019-03-29. Review status: criteria provided, single submitter. Criteria: ACMG Guidelines, 2015. Collection method: clinical testing. Allele origin: germline.

Women's Health and Genetics/Laboratory Corporation of America, LabCorp
Classification: Benign. Last evaluated: 2016-05-25. Review status: criteria provided, single submitter. Criteria: LabCorp Variant Classification Summary - May 2015. Collection method: clinical testing. Allele origin: germline.
Comment: Variant summary: The SDHD c.204C>T (p.Ser68Ser) variant involves the alteration of a non-conserved nucleotide, resulting in a synonymous change. One in silico tool predicts a polymorphism outcome for this variant. This variant was found in 4824/121320 control chromosomes (622 homozygotes), predominantly observed in the African subpopulation (610 homozygotes) at a frequency of 0.3507319 (3642/10384). This frequency is greatly exceeds the estimated maximal expected allele frequency of a pathogenic SDHD variant (0.0000016), suggesting this is a common benign polymorphism found primarily in the populations of African origin. In addition, multiple clinical diagnostic laboratories have classified this variant as Benign/Likely Benign. Taken together, this variant is classified as Benign.

GeneDx
Classification: Benign. Last evaluated: 2015-03-03. Review status: criteria provided, single submitter. Criteria: GeneDx Variant Classification Process June 2021. Collection method: clinical testing. Allele origin: germline. Affected: yes.

Ambry Genetics
Classification: Benign for Hereditary cancer-predisposing syndrome. Last evaluated: 2014-11-21. Review status: criteria provided, single submitter. Criteria: Ambry Variant Classification Scheme 2023. Collection method: clinical testing. Allele origin: germline.

Laboratory for Molecular Medicine, Mass General Brigham Personalized Medicine
Classification: Benign. Last evaluated: 2012-12-21. Review status: criteria provided, single submitter. Criteria: LMM Criteria. Collection method: clinical testing. Allele origin: germline. Observed: 5 variant alleles.
Comment: This variant is classified as benign because it does not change the amino acid a nd is frequent in the general population (rs9919552, MAF >1%). Noted as 2.8-4.4% in TCA gene mutation database.

Breakthrough Genomics
Classification: Benign. Review status: criteria provided, single submitter. Criteria: ACMG Guidelines, 2015. Collection method: not provided. Allele origin: germline. Inheritance: Autosomal recessive inheritance. Affected: yes.

PreventionGenetics, part of Exact Sciences
Classification: Benign. Review status: criteria provided, single submitter. Criteria: ACMG Guidelines, 2015. Collection method: clinical testing. Allele origin: germline.

Diagnostic Laboratory, Department of Genetics, University Medical Center Groningen
Classification: Benign. Review status: no assertion criteria provided. Collection method: clinical testing. Allele origin: germline. Affected: yes. Study: VKGL Data-share Consensus. Not counted in ClinVar's aggregate classification.

Dr. Peter K. Rogan Lab, Western University
No classification provided (evidence only). Condition: Melanoma. Review status: no classification provided. Collection method: in vitro. Allele origin: not applicable. Functional consequence: retained intron. Not counted in ClinVar's aggregate classification.

Dr. Peter K. Rogan Lab, Western University
No classification provided (evidence only). Condition: Acute myeloid leukemia. Review status: no classification provided. Collection method: in vitro. Allele origin: not applicable. Functional consequence: retained intron. Not counted in ClinVar's aggregate classification.

Dr. Peter K. Rogan Lab, Western University
No classification provided (evidence only). Condition: Sarcoma. Review status: no classification provided. Collection method: in vitro. Allele origin: not applicable. Functional consequence: retained intron. Not counted in ClinVar's aggregate classification.

Dr. Peter K. Rogan Lab, Western University
No classification provided (evidence only). Condition: Sarcoma. Review status: no classification provided. Collection method: in vitro. Allele origin: not applicable. Functional consequence: retained intron. Not counted in ClinVar's aggregate classification.